The following is an entry in ClinVar:

NM_058216.3(RAD51C):c.559C>G (p.His187Asp)

Gene: RAD51C (RAD51 paralog C; plus strand). Cytogenetic location: 17q22.
Variant type: single nucleotide variant.
Coding change: c.559C>G on transcript NM_058216.3 (MANE Select); coding-DNA position 559, C replaced by G.
Protein change: p.His187Asp; replaces histidine 187 with aspartic acid.
Molecular consequence: missense variant.
Genome position (GRCh38, 1-based): chr17:58,696,847, C>G. VCF-style: chr17-58696847-C-G. GRCh37 (hg19) VCF-style: chr17-56774208-C-G.
Other names: short protein forms H187D.
Identifiers: ClinVar variation 2749190 (VCV002749190.3), dbSNP rs2143749711, ClinGen allele CA400345446.
Genomic context (GRCh38, chr17:58,696,847, plus strand): 5'-GATAGAGTGGTAGACCTTGCTACTGCCTGCATTCAGCACCTTCAGCTTATAGCAGAAAAA[C>G]ACAAGGGAGAGGGTAAGTTAGTAAATGATCTTCTTTTTTTCTGTATTAATAAAAGTAATT-3'
Protein context (NP_478123.1, residues 177-197): IQHLQLIAEK[His187Asp]KGEEHRKALE

ClinVar aggregate classification (germline): Uncertain significance (1 of 4 stars; one submission).

Conditions:
Fanconi anemia complementation group O. Also called: RAD51C-Related Fanconi Anemia. Identifiers: Orphanet 84, MedGen C3150653, MONDO:0013248, OMIM 613390.

Submission:

Labcorp Genetics (formerly Invitae), Labcorp
Classification: Uncertain significance for Fanconi anemia complementation group O. Last evaluated: 2023-08-02. Review status: criteria provided, single submitter. Criteria: Invitae Variant Classification Sherloc (09022015). Collection method: clinical testing. Allele origin: germline.
Comment: This variant is not present in population databases (gnomAD no frequency). This variant has not been reported in the literature in individuals affected with RAD51C-related conditions. This sequence change replaces histidine, which is basic and polar, with aspartic acid, which is acidic and polar, at codon 187 of the RAD51C protein (p.His187Asp). An algorithm developed to predict the effect of missense changes on protein structure and function (PolyPhen-2) suggests that this variant is likely to be tolerated. In summary, the available evidence is currently insufficient to determine the role of this variant in disease. Therefore, it has been classified as a Variant of Uncertain Significance.